The following is an entry in ClinVar:

NM_001384474.1(LOXHD1):c.5085+6G>A

Gene: LOXHD1 (lipoxygenase homology PLAT domains 1; minus strand). Cytogenetic location: 18q21.1.
Variant type: single nucleotide variant.
Coding change: c.5085+6G>A on transcript NM_001384474.1 (MANE Select); 6 bases into the intron after coding-DNA position 5085, G replaced by A.
Molecular consequence: intron variant.
Genome position (GRCh38, 1-based): chr18:46,522,095, C>T on the plus strand (G>A on the coding strand, the complement: LOXHD1 is on the minus strand). VCF-style: chr18-46522095-C-T. GRCh37 (hg19) VCF-style: chr18-44102058-C-T.
Other names: c.1752+6G>A (NM_001145472.3, NM_001145472.2); c.1464+6G>A (NM_001308013.2); c.5085+6G>A (NM_144612.7).
Identifiers: ClinVar variation 47942 (VCV000047942.15), dbSNP rs373466081, ClinGen allele CA142230.

ClinVar aggregate classification (germline): Uncertain significance. Review status: criteria provided, multiple submitters, no conflicts (2 of 4 stars). 7 submissions from 7 submitters: Uncertain significance (6). 1 of the submissions does not count toward it. Last evaluated 2025-07-24.

Conditions:
Autosomal recessive nonsyndromic hearing loss 77. Identifiers: Orphanet 90636, MedGen C2746083, MONDO:0013119, OMIM 613079.

Allele frequency attached by ClinVar (database versions not stated): gnomAD 0.00009 and 0.00011; gnomAD exomes 0.00009; ExAC 0.00010; TOPMed 0.00010; ESP Exome Variant Server 0.00022.
gnomAD v4.1: 151 of 1,546,498 alleles (0.0098%); highest among the groups gnomAD compares: Middle Eastern, 0.017%; 1 homozygote.

Submissions (7):

Women's Health and Genetics/Laboratory Corporation of America, LabCorp
Classification: Uncertain significance. Last evaluated: 2025-07-24. Review status: criteria provided, single submitter. Criteria: LabCorp Variant Classification Summary - May 2015. Collection method: clinical testing. Allele origin: germline.

Labcorp Genetics (formerly Invitae), Labcorp
Classification: Uncertain significance. Last evaluated: 2024-11-11. Review status: criteria provided, single submitter. Criteria: Invitae Variant Classification Sherloc (09022015). Collection method: clinical testing. Allele origin: germline.
Comment: This sequence change falls in intron 32 of the LOXHD1 gene. It does not directly change the encoded amino acid sequence of the LOXHD1 protein. It affects a nucleotide within the consensus splice site. This variant is present in population databases (rs373466081, gnomAD 0.02%). This variant has not been reported in the literature in individuals affected with LOXHD1-related conditions. ClinVar contains an entry for this variant (Variation ID: 47942). Variants that disrupt the consensus splice site are a relatively common cause of aberrant splicing (PMID: 17576681, 9536098). Algorithms developed to predict the effect of sequence changes on RNA splicing suggest that this variant is not likely to affect RNA splicing. In summary, the available evidence is currently insufficient to determine the role of this variant in disease. Therefore, it has been classified as a Variant of Uncertain Significance.

Fulgent Genetics
Classification: Uncertain significance for Autosomal recessive nonsyndromic hearing loss 77. Last evaluated: 2021-07-23. Review status: criteria provided, single submitter. Criteria: ACMG Guidelines, 2015. Collection method: clinical testing. Allele origin: unknown.

Illumina Laboratory Services, Illumina
Classification: Uncertain significance for Autosomal recessive nonsyndromic hearing loss 77. Last evaluated: 2018-01-12. Review status: criteria provided, single submitter. Criteria: ICSL Variant Classification Criteria 13 December 2019. Collection method: clinical testing. Allele origin: germline.

Laboratory for Molecular Medicine, Mass General Brigham Personalized Medicine
Classification: Uncertain significance. Last evaluated: 2013-02-02. Review status: criteria provided, single submitter. Criteria: LMM Criteria. Collection method: clinical testing. Allele origin: germline. Observed: 2 variant alleles.
Comment: Variant classified as Uncertain Significance - Favor Benign. The 5085+6G>A varia nt in LOXHD1 has not been reported in the literature nor previously identified b y our laboratory. This variant is located in the 5' splice region. Computational tools do not suggest and impact to splicing. However, this information is not p redictive enough to rule out pathogenicity. This variant has been identified in 0.03% (1/3182) of European American chromosomes in a broad population by the NHL BI Exome sequencing project. Although this v ariant has been seen in the general population, its frequency is not high enough to rule out a pathogenic role. In summary, the clinical significance of this va riant cannot be determined with certainty; however, based upon the computational splicing predictions and its presence in the general population, we would lean towards a more likely benign role.

Breakthrough Genomics
Classification: Uncertain significance. Review status: criteria provided, single submitter. Criteria: ACMG Guidelines, 2015. Collection method: not provided. Allele origin: germline. Inheritance: Autosomal recessive inheritance. Affected: yes.

Natera, Inc.
Classification: Uncertain significance for Autosomal recessive deafness type 77. Last evaluated: 2019-10-28. Review status: no assertion criteria provided. Collection method: clinical testing. Allele origin: germline. Not counted in ClinVar's aggregate classification.

Literature cited by the submitters: PubMed 17576681 (cited by Labcorp Genetics (formerly Invitae), Labcorp); PubMed 9536098 (cited by Labcorp Genetics (formerly Invitae), Labcorp).